The following is an entry in ClinVar:

ClinVar aggregate classification (germline): Conflicting classifications of pathogenicity. Review status: criteria provided, conflicting classifications (1 of 4 stars). 11 submissions from 11 submitters: Uncertain significance (7); Benign (1); Likely benign (2). 1 of the submissions does not count toward it. Last evaluated 2026-01-25.

Conditions:
Hereditary cancer-predisposing syndrome. Also called: Neoplastic Syndromes, Hereditary; Hereditary Cancer Syndrome; Hereditary neoplastic syndrome; Tumor predisposition. Identifiers: Orphanet 140162, MedGen C0027672, MeSH D009386, MONDO:0015356.
Hereditary breast ovarian cancer syndrome. Also called: Hereditary breast and ovarian cancer syndrome; Hereditary breast and/or ovarian cancer syndrome; BRCA1- and BRCA2-Associated Hereditary Breast and Ovarian Cancer; Hereditary breast and ovarian cancer; Breast and ovarian cancer; Hereditary breast and ovarian cancer syndrome (HBOC). Identifiers: Orphanet 145, MedGen C0677776, MeSH D061325, MONDO:0003582. Disease mechanism: loss of function.
Breast-ovarian cancer, familial, susceptibility to, 2 (BROVCA2). Also called: BRCA2 Hereditary Breast and Ovarian Cancer. Identifiers: Orphanet 145, MedGen C2675520, MONDO:0012933, OMIM 612555. Disease mechanism: loss of function.

Allele frequency attached by ClinVar (database versions not stated): gnomAD 0.00001; TOPMed 0.00001.
gnomAD v4.1: 3 of 1,613,890 alleles (0.00019%); highest among the groups gnomAD compares: Non-Finnish European, 0.00025%; no homozygotes.

Submissions (11):

Labcorp Genetics (formerly Invitae), Labcorp
Classification: Uncertain significance for Hereditary breast ovarian cancer syndrome. Last evaluated: 2026-01-25. Review status: criteria provided, single submitter. Criteria: Invitae Variant Classification Sherloc (09022015). Collection method: clinical testing. Allele origin: germline.
Comment: This sequence change replaces lysine, which is basic and polar, with asparagine, which is neutral and polar, at codon 1565 of the BRCA2 protein (p.Lys1565Asn). This variant is present in population databases (rs587782522, gnomAD 0.01%). This variant has not been reported in the literature in individuals affected with BRCA2-related conditions. ClinVar contains an entry for this variant (Variation ID: 142527). Invitae Evidence Modeling of protein sequence and biophysical properties (such as structural, functional, and spatial information, amino acid conservation, physicochemical variation, residue mobility, and thermodynamic stability) indicates that this missense variant is not expected to disrupt BRCA2 protein function with a negative predictive value of 95%. In summary, the available evidence is currently insufficient to determine the role of this variant in disease. Therefore, it has been classified as a Variant of Uncertain Significance.

Women's Health and Genetics/Laboratory Corporation of America, LabCorp
Classification: Uncertain significance. Last evaluated: 2025-12-26. Review status: criteria provided, single submitter. Criteria: LabCorp Variant Classification Summary - May 2015. Collection method: clinical testing. Allele origin: germline.
Comment: Variant summary: BRCA2 c.4695G>T (p.Lys1565Asn) results in a non-conservative amino acid change in the encoded protein sequence. Algorithms developed to predict the effect of missense changes on protein structure and function are either unavailable or do not agree on the potential impact of this missense change. The variant was absent in 251130 control chromosomes (gnomAD). The available data on variant occurrences in the general population are insufficient to allow any conclusion about variant significance. To our knowledge, no occurrence of c.4695G>T in individuals affected with BRCA2-related conditions and no experimental evidence demonstrating its impact on protein function have been reported. The following publications have been ascertained in the context of this evaluation (PMID: 17088437, 16417627). ClinVar contains an entry for this variant (Variation ID: 142527). Based on the evidence outlined above, the variant was classified as uncertain significance.

Myriad Genetics, Inc.
Classification: Benign for Breast-ovarian cancer, familial, susceptibility to, 2. Last evaluated: 2025-07-25. Review status: criteria provided, single submitter. Criteria: Myriad Autosomal Dominant, Autosomal Recessive and X-Linked Classification Criteria (2023). Collection method: clinical testing. Allele origin: unknown.
Comment: This variant is considered benign. This variant is strongly associated with less severe personal and family histories of cancer, typical for individuals without pathogenic variants in this gene [PMID: 25085752]. Homozygosity for this variant has been confirmed in one or more individuals lacking clinical features consistent with gene-specific recessive disease, indicating that this variant is unlikely to be pathogenic.

Ambry Genetics
Classification: Likely benign for Hereditary cancer-predisposing syndrome. Last evaluated: 2024-10-29. Review status: criteria provided, single submitter. Criteria: Ambry Variant Classification Scheme 2023. Collection method: clinical testing. Allele origin: germline.

GeneDx
Classification: Uncertain significance. Last evaluated: 2024-06-11. Review status: criteria provided, single submitter. Criteria: GeneDx Variant Classification Process June 2021. Collection method: clinical testing. Allele origin: germline. Affected: yes.
Comment: Identified in individuals referred for multi-gene panel testing with personal or family history of cancer (PMID: 31853058); In silico analysis supports that this missense variant has a deleterious effect on protein structure/function; Not observed at significant frequency in large population cohorts (gnomAD); Also known as 4923G>T; This variant is associated with the following publications: (PMID: 24755471, 16417627, 31853058, 17088437, 29884841, 32377563)

All of Us Research Program, National Institutes of Health
Classification: Uncertain significance for Breast-ovarian cancer, familial, susceptibility to, 2. Last evaluated: 2023-12-18. Review status: criteria provided, single submitter. Criteria: ACMG Guidelines, 2015. Collection method: clinical testing. Allele origin: germline. Inheritance: Autosomal dominant inheritance. Observed: 1 variant allele, 1 heterozygote.
Comment: This missense variant replaces lysine with asparagine at codon 1565 of the BRCA2 protein. Computational prediction suggests that this variant may not impact protein structure and function (internally defined REVEL score threshold <= 0.5, PMID: 27666373). To our knowledge, functional studies have not been reported for this variant. This variant has not been reported in individuals affected with BRCA2-related disorders in the literature. This variant has been identified in 1/31390 chromosomes in the general population by the Genome Aggregation Database (gnomAD). The available evidence is insufficient to determine the role of this variant in disease conclusively. Therefore, this variant is classified as a Variant of Uncertain Significance.

This study involves interpretation of variants in research participants for the purpose of population health screening. Participant phenotype was not available at the time of variant classification. Additional details can be found in publication PMID: 35346344, PMCID: PMC8962531

Color Diagnostics, LLC DBA Color Health
Classification: Uncertain significance for Hereditary cancer-predisposing syndrome. Last evaluated: 2023-11-27. Review status: criteria provided, single submitter. Criteria: ACMG Guidelines, 2015. Collection method: clinical testing. Allele origin: germline.
Comment: This missense variant replaces lysine with asparagine at codon 1565 of the BRCA2 protein. Computational prediction suggests that this variant may not impact protein structure and function (internally defined REVEL score threshold <= 0.5, PMID: 27666373). To our knowledge, functional studies have not been reported for this variant. This variant has not been reported in individuals affected with BRCA2-related disorders in the literature. This variant has been identified in 1/31390 chromosomes in the general population by the Genome Aggregation Database (gnomAD). The available evidence is insufficient to determine the role of this variant in disease conclusively. Therefore, this variant is classified as a Variant of Uncertain Significance.

University of Washington Department of Laboratory Medicine, University of Washington
Classification: Likely benign for Hereditary cancer-predisposing syndrome. Last evaluated: 2023-03-23. Review status: criteria provided, single submitter. Criteria: Dines et al. (Genet Med. 2020). Collection method: curation. Allele origin: germline.
Comment: Missense variant in a coldspot region where missense variants are very unlikely to be pathogenic (PMID:31911673).

BRCA2 exon 11 coldspot. Reclassification based on statistical prior probability.

St. Jude Molecular Pathology, St. Jude Children's Research Hospital
Classification: Uncertain significance for Hereditary breast ovarian cancer syndrome. Last evaluated: 2021-08-19. Review status: criteria provided, single submitter. Criteria: St. Jude Assertion Criteria 2020. Collection method: clinical testing. Allele origin: germline.
Comment: The BRCA2 c.4695G>T (p.Lys1565Asn) missense change has a maximum subpopulation frequency of 0.0029% in gnomAD v3.1.1 (PM2_Supporting). Seven of seven in silico tools predict a benign effect of this variant on protein function (BP4), but to our knowledge these predictions have not been confirmed by functional assays. This variant is absent in the FLOSSIES database which contains genetic variants from women older than 70 years of age who have never had cancer. To our knowledge, this variant has not been reported in individuals with hereditary breast and ovarian cancer or Fanconi anemia. In summary, this variant meets criteria to be classified as of uncertain significance based on the ACMG/AMP criteria: PM2_supporting, BP4.

Quest Diagnostics Nichols Institute San Juan Capistrano
Classification: Uncertain significance. Last evaluated: 2018-12-05. Review status: criteria provided, single submitter. Criteria: Quest Diagnostics criteria. Collection method: clinical testing. Allele origin: germline.

Sharing Clinical Reports Project (SCRP)
Classification: Uncertain significance for Breast-ovarian cancer, familial 2. Last evaluated: 2011-01-19. Review status: no assertion criteria provided. Collection method: clinical testing. Allele origin: germline. Not counted in ClinVar's aggregate classification.

Literature cited by the submitters: PubMed 17088437 (cited by Women's Health and Genetics/Laboratory Corporation of America, LabCorp); PubMed 16417627 (cited by Women's Health and Genetics/Laboratory Corporation of America, LabCorp); PubMed 25085752 (cited by Myriad Genetics, Inc.).

NM_000059.4(BRCA2):c.4695G>T (p.Lys1565Asn)

Gene: BRCA2 (BRCA2 DNA repair associated; plus strand). Cytogenetic location: 13q13.1.
Variant type: single nucleotide variant.
Coding change: c.4695G>T on transcript NM_000059.4 (MANE Select); coding-DNA position 4695, G replaced by T.
Protein change: p.Lys1565Asn; replaces lysine 1565 with asparagine.
Molecular consequence: missense variant.
Genome position (GRCh38, 1-based): chr13:32,339,050, G>T. VCF-style: chr13-32339050-G-T. GRCh37 (hg19) VCF-style: chr13-32913187-G-T.
Other names: 4923G>T; short protein forms K1565N.
Identifiers: ClinVar variation 142527 (VCV000142527.33), dbSNP rs587782522, ClinGen allele CA020660.